The following is an entry in ClinVar:

NM_001111125.3(IQSEC2):c.1691A>C (p.Glu564Ala)

Gene: IQSEC2 (IQ motif and Sec7 domain ArfGEF 2; minus strand). Cytogenetic location: Xp11.22.
Variant type: single nucleotide variant.
Coding change: c.1691A>C on transcript NM_001111125.3 (MANE Select); coding-DNA position 1691, A replaced by C.
Protein change: p.Glu564Ala; replaces glutamic acid 564 with alanine.
Molecular consequence: missense variant.
Genome position (GRCh38, 1-based): chrX:53,250,885, T>G on the plus strand (A>C on the coding strand, the complement: IQSEC2 is on the minus strand). VCF-style: chrX-53250885-T-G. GRCh37 (hg19) VCF-style: chrX-53280067-T-G.
Other names: c.1076A>C, p.Glu359Ala (NM_015075.2); short protein forms E359A, E564A.
Identifiers: ClinVar variation 1303326 (VCV001303326.3), dbSNP rs2147100909, ClinGen allele CA413164562.
Genomic context (GRCh38, chrX:53,250,885, plus strand): 5'-AAATCCCGGCACTCCAAGCACCCGGGACCCCTGCGAGTGCCTTCCTCACGGCTACCGTCT[T>G]CCCGGGTTCCTGATGGCACTGGTGGAGGAACTGGCGGGAGAGGGGCTGGCGCCCAGAACT-3'
Protein context (NP_001104595.1, residues 554-574): VPPPVPSGTR[Glu564Ala]DGSREEGTRR

ClinVar aggregate classification (germline): Uncertain significance (1 of 4 stars; one submission).

Submission:

GeneDx
Classification: Uncertain significance. Last evaluated: 2024-09-11. Review status: criteria provided, single submitter. Criteria: GeneDx Variant Classification Process June 2021. Collection method: clinical testing. Allele origin: germline. Affected: yes.
Comment: Not observed at significant frequency in large population cohorts (gnomAD); In silico analysis supports that this missense variant has a deleterious effect on protein structure/function; Has not been previously published as pathogenic or benign to our knowledge